The following is an entry in ClinVar:

NM_016239.4(MYO15A):c.9478C>T (p.Leu3160Phe)

Gene: MYO15A (myosin XVA; plus strand). Cytogenetic location: 17p11.2.
Variant type: single nucleotide variant.
Coding change: c.9478C>T on transcript NM_016239.4 (MANE Select); coding-DNA position 9478, C replaced by T.
Protein change: p.Leu3160Phe; replaces leucine 3160 with phenylalanine.
Molecular consequence: missense variant.
Genome position (GRCh38, 1-based): chr17:18,161,408, C>T. VCF-style: chr17-18161408-C-T. GRCh37 (hg19) VCF-style: chr17-18064722-C-T.
Other names: short protein forms L3160F.
Identifiers: ClinVar variation 45773 (VCV000045773.81), dbSNP rs140029076, ClinGen allele CA137029.

ClinVar aggregate classification (germline): Conflicting classifications of pathogenicity. Review status: criteria provided, conflicting classifications (1 of 4 stars). 10 submissions from 10 submitters: Uncertain significance (2); Benign (5); Likely benign (3). Last evaluated 2026-09-01.

Conditions:
Autosomal recessive nonsyndromic hearing loss 3. Also called: NEUROSENSORY NONSYNDROMIC RECESSIVE DEAFNESS 3. Identifiers: Orphanet 90636, MedGen C1838263, MONDO:0010860, OMIM 600316.

Allele frequency attached by ClinVar (database versions not stated): gnomAD 0.00672 and 0.00658; ExAC 0.00687; TOPMed 0.00716; ESP Exome Variant Server 0.00815; 1000 Genomes Project 30x 0.00593; 1000 Genomes Project 0.00599.
gnomAD v4.1: 13,291 of 1,614,082 alleles (0.82%); highest among the groups gnomAD compares: Middle Eastern, 0.92%; 73 homozygotes.

Submissions (10):

CeGaT Center for Human Genetics Tuebingen
Classification: Likely benign. Last evaluated: 2026-09-01. Review status: criteria provided, single submitter. Criteria: CeGaT Center For Human Genetics Tuebingen Variant Classification Criteria Version 2. Collection method: clinical testing. Allele origin: germline. Affected: yes. Observed: 24 variant alleles.
Comment: MYO15A: BS2

Labcorp Genetics (formerly Invitae), Labcorp
Classification: Benign. Last evaluated: 2026-02-03. Review status: criteria provided, single submitter. Criteria: Invitae Variant Classification Sherloc (09022015). Collection method: clinical testing. Allele origin: germline.

Mayo Clinic Laboratories, Mayo Clinic
Classification: Benign. Last evaluated: 2025-08-21. Review status: criteria provided, single submitter. Criteria: ACMG Guidelines, 2015. Collection method: clinical testing. Allele origin: germline. Observed: 1 variant allele.
Comment: BA1, BS2

GeneDx
Classification: Benign. Last evaluated: 2019-06-21. Review status: criteria provided, single submitter. Criteria: GeneDx Variant Classification Process June 2021. Collection method: clinical testing. Allele origin: germline. Affected: yes.
Comment: This variant is associated with the following publications: (PMID: 17546645, 25792667, 27018795, 25262649, 24498627, 24130743, 20440071, 27375115, 25587757, 30245029)

Mendelics
Classification: Likely benign for Autosomal recessive nonsyndromic hearing loss 3. Last evaluated: 2019-05-28. Review status: criteria provided, single submitter. Criteria: Mendelics Assertion Criteria 2017. Collection method: clinical testing. Allele origin: unknown.

Illumina Laboratory Services, Illumina
Classification: Uncertain significance for Autosomal recessive nonsyndromic hearing loss 3. Last evaluated: 2018-03-08. Review status: criteria provided, single submitter. Criteria: ICSL Variant Classification Criteria 13 December 2019. Collection method: clinical testing. Allele origin: germline.
Comment: This variant was observed as part of a predisposition screen in an ostensibly healthy population. A literature search was performed for the gene, cDNA change, and amino acid change (where applicable). Publications were found based on this search. However, the evidence from the literature, in combination with allele frequency data from public databases where available, was not sufficient to rule this variant in or out of causing disease. Therefore, this variant is classified as a variant of unknown significance.

Center for Pediatric Genomic Medicine, Children's Mercy Hospital and Clinics
Classification: Likely benign. Last evaluated: 2017-08-23. Review status: criteria provided, single submitter. Criteria: ACMG Guidelines, 2015. Collection method: clinical testing. Allele origin: germline.

Eurofins Ntd Llc (ga)
Classification: Benign. Last evaluated: 2014-10-16. Review status: criteria provided, single submitter. Criteria: EGL Classification Definitions 2015. Collection method: clinical testing. Allele origin: germline. Observed: 4 variant alleles, 4 heterozygotes.

Laboratory for Molecular Medicine, Mass General Brigham Personalized Medicine
Classification: Benign. Last evaluated: 2012-04-30. Review status: criteria provided, single submitter. Criteria: LMM Criteria. Collection method: clinical testing. Allele origin: germline. Observed: 27 variant alleles.
Comment: Leu3160Phe in Exon 57 of MYO15A: This variant is not expected to have clinical s ignificance because it has been identified in 0.8% (54/6912) of European America n chromosomes from a broad population by the NHLBI Exome Sequencing Project (dbSNP rs140029076).

Molecular Diagnosis Center for Deafness
Classification: Uncertain significance for Autosomal recessive nonsyndromic hearing loss 3. Review status: criteria provided, single submitter. Criteria: ClinGen HL ACMG Specifications v1. Collection method: clinical testing. Allele origin: maternal. Observed: 2 variant alleles.

Literature cited by the submitters: PubMed 17546645 (cited by Illumina Laboratory Services, Illumina and Eurofins Ntd Llc (ga)); PubMed 24130743 (cited by Eurofins Ntd Llc (ga)).